The following is an entry in ClinVar:

NC_000023.10:g.(?_128674417)_(128674820_?)del

Gene: OCRL (OCRL inositol polyphosphate-5-phosphatase; plus strand). Cytogenetic location: Xq25.
Variant type: Deletion.
Identifiers: ClinVar variation 2422783 (VCV002422783.3).

ClinVar aggregate classification (germline): Pathogenic (1 of 4 stars; one submission).

Conditions:
Lowe syndrome (OCRL). Also called: LOWE OCULOCEREBRORENAL SYNDROME; PHOSPHATIDYLINOSITOL 4,5-BISPHOSPHATE 5-PHOSPHATASE DEFICIENCY; Oculocerebrorenal Syndrome. Identifiers: Orphanet 534, MedGen C0028860, MONDO:0010645, OMIM 309000.

Submission:

Labcorp Genetics (formerly Invitae), Labcorp
Classification: Pathogenic for Lowe syndrome. Last evaluated: 2021-12-19. Review status: criteria provided, single submitter. Criteria: Invitae Variant Classification Sherloc (09022015). Collection method: clinical testing. Allele origin: germline.
Comment: For these reasons, this variant has been classified as Pathogenic. A similar copy number variant has been observed in individual(s) with Dent disease (PMID: 27708066). This variant is a gross deletion of the genomic region encompassing exon(s) 1-2 of the OCRL gene, which includes the initiator codon. This deletion extends beyond the assayed region for this gene and therefore may encompass additional genes. It is expected to result in an absent or disrupted protein product. Loss-of-function variants in OCRL are known to be pathogenic (PMID: 19390221, 21031565, 22381590).

Literature cited by the submitters: PubMed 27708066; PubMed 19390221; PubMed 21031565; PubMed 22381590.